The following is an entry in ClinVar:

ClinVar aggregate classification (germline): Conflicting classifications of pathogenicity. Review status: criteria provided, conflicting classifications (1 of 4 stars). 4 submissions from 4 submitters: Uncertain significance (3); Likely benign (1). Last evaluated 2025-10-01.

Conditions:
Rienhoff syndrome. Also called: LOEYS-DIETZ SYNDROME 5. Identifiers: MedGen C3810012, MONDO:0014262, OMIM 615582.
Familial thoracic aortic aneurysm and aortic dissection (TAAD). Also called: Thoracic aortic aneurysms and dissections. Identifiers: Orphanet 91387, MedGen C4707243, MONDO:0019625.

Allele frequency attached by ClinVar (database versions not stated): gnomAD 0.00001; ExAC 0.00002; gnomAD exomes 0.00002 and 0.00003; ESP Exome Variant Server 0.00008; 1000 Genomes Project 30x 0.00016; 1000 Genomes Project 0.00020.
gnomAD v4.1: 51 of 1,614,080 alleles (0.0032%); highest among the groups gnomAD compares: Non-Finnish European, 0.0042%; no homozygotes.

Submissions (4):

Labcorp Genetics (formerly Invitae), Labcorp
Classification: Likely benign for Rienhoff syndrome. Last evaluated: 2025-10-01. Review status: criteria provided, single submitter. Criteria: Invitae Variant Classification Sherloc (09022015). Collection method: clinical testing. Allele origin: germline.

CHEO Genetics Diagnostic Laboratory, Children's Hospital of Eastern Ontario
Classification: Uncertain significance for Familial thoracic aortic aneurysm and aortic dissection. Last evaluated: 2021-06-28. Review status: criteria provided, single submitter. Criteria: ACMG Guidelines, 2015. Collection method: clinical testing. Allele origin: germline.

Ambry Genetics
Classification: Uncertain significance for Familial thoracic aortic aneurysm and aortic dissection. Last evaluated: 2020-06-23. Review status: criteria provided, single submitter. Criteria: Ambry Variant Classification Scheme 2023. Collection method: clinical testing. Allele origin: germline.
Comment: The c.927-4G>A intronic variant results from a G to A substitution 4 nucleotides upstream from coding exon 6 in the TGFB3 gene. This nucleotide position is not well conserved in available vertebrate species. Using the BDGP and ESEfinder splice site prediction tools, this alteration is not predicted to have any significant effect on this splice acceptor site; however, direct evidence is unavailable. Since supporting evidence is limited at this time, the clinical significance of this alteration remains unclear.

Cambridge Genomics Laboratory, East Genomic Laboratory Hub, NHS Genomic Medicine Service
Classification: Uncertain significance for Familial thoracic aortic aneurysm and aortic dissection. Last evaluated: 2019-04-17. Review status: criteria provided, single submitter. Criteria: ACGS Best Practice Guidelines for Variant Classification in Rare Disease 2020. Collection method: clinical testing. Allele origin: germline. Affected: yes. Observed: 1 variant allele.

NM_003239.5(TGFB3):c.927-4G>A

Gene: TGFB3 (transforming growth factor beta 3; minus strand). Cytogenetic location: 14q24.3.
Variant type: single nucleotide variant.
Coding change: c.927-4G>A on transcript NM_003239.5 (MANE Select); 4 bases into the intron before coding-DNA position 927, G replaced by A.
Molecular consequence: intron variant.
Genome position (GRCh38, 1-based): chr14:75,961,080, C>T on the plus strand (G>A on the coding strand, the complement: TGFB3 is on the minus strand). VCF-style: chr14-75961080-C-T. GRCh37 (hg19) VCF-style: chr14-76427423-C-T.
Other names: c.927-4G>A (NM_003239.4, NM_001329939.2).
Identifiers: ClinVar variation 1081911 (VCV001081911.14), dbSNP rs201637508, ClinGen allele CA7280297.